The following is an entry in ClinVar:

ClinVar aggregate classification (germline): Uncertain significance. Review status: criteria provided, multiple submitters, no conflicts (2 of 4 stars). 2 submissions from 2 submitters: Uncertain significance (2). Last evaluated 2026-05-27.

Conditions:
Inborn genetic diseases. Identifiers: MedGen C0950123, MeSH D030342.
CHARGE syndrome (CHARGE). Also called: Hittner Hirsch Kreh syndrome; CHARGE ASSOCIATION--COLOBOMA, HEART ANOMALY, CHOANAL ATRESIA, RETARDATION, GENITAL AND EAR ANOMALIES; Coloboma, heart anomaly, choanal atresia, retardation, genital and ear anomalies; CHARGE association; Hall-Hittner syndrome. Identifiers: Orphanet 138, MedGen C0265354, MONDO:0008965.

Submissions (2):

Ambry Genetics
Classification: Uncertain significance for Inborn genetic diseases. Last evaluated: 2026-05-27. Review status: criteria provided, single submitter. Criteria: Ambry Variant Classification Scheme 2023. Collection method: clinical testing. Allele origin: germline.

Labcorp Genetics (formerly Invitae), Labcorp
Classification: Uncertain significance for CHARGE syndrome. Last evaluated: 2023-05-16. Review status: criteria provided, single submitter. Criteria: Invitae Variant Classification Sherloc (09022015). Collection method: clinical testing. Allele origin: germline.
Comment: This variant is not present in population databases (gnomAD no frequency). In summary, the available evidence is currently insufficient to determine the role of this variant in disease. Therefore, it has been classified as a Variant of Uncertain Significance. Advanced modeling of protein sequence and biophysical properties (such as structural, functional, and spatial information, amino acid conservation, physicochemical variation, residue mobility, and thermodynamic stability) has been performed at Invitae for this missense variant, however the output from this modeling did not meet the statistical confidence thresholds required to predict the impact of this variant on CHD7 protein function. This variant has not been reported in the literature in individuals affected with CHD7-related conditions. This sequence change replaces glutamic acid, which is acidic and polar, with glycine, which is neutral and non-polar, at codon 2009 of the CHD7 protein (p.Glu2009Gly).

NM_017780.4(CHD7):c.6026A>G (p.Glu2009Gly)

Gene: CHD7 (chromodomain helicase DNA binding protein 7; plus strand). Cytogenetic location: 8q12.2.
Variant type: single nucleotide variant.
Coding change: c.6026A>G on transcript NM_017780.4 (MANE Select); coding-DNA position 6026, A replaced by G.
Protein change: p.Glu2009Gly; replaces glutamic acid 2009 with glycine.
Molecular consequence: missense variant. On other transcripts: intron variant (1).
Genome position (GRCh38, 1-based): chr8:60,852,629, A>G. VCF-style: chr8-60852629-A-G. GRCh37 (hg19) VCF-style: chr8-61765188-A-G.
Other names: c.1717-9600A>G (NM_001316690.1); c.6026A>G (NM_017780.3); short protein forms E2009G.
Identifiers: ClinVar variation 2850608 (VCV002850608.4), dbSNP rs2488036424, ClinGen allele CA371323958.